The following is an entry in ClinVar:

ClinVar aggregate classification (germline): Uncertain significance (1 of 4 stars; one submission).

Submission:

Labcorp Genetics (formerly Invitae), Labcorp
Classification: Uncertain significance. Last evaluated: 2024-03-27. Review status: criteria provided, single submitter. Criteria: Invitae Variant Classification Sherloc (09022015). Collection method: clinical testing. Allele origin: germline.
Comment: This sequence change creates a premature translational stop signal (p.Ser29*) in the PIGP gene. It is expected to result in an absent or disrupted protein product. However, the current clinical and genetic evidence is not sufficient to establish whether loss-of-function variants in PIGP cause disease. This variant is not present in population databases (gnomAD no frequency). This variant has not been reported in the literature in individuals affected with PIGP-related conditions. In summary, the available evidence is currently insufficient to determine the role of this variant in disease. Therefore, it has been classified as a Variant of Uncertain Significance.

NM_153682.3(PIGP):c.14C>A (p.Ser5Ter)

Gene: PIGP (phosphatidylinositol glycan anchor biosynthesis class P; minus strand). Cytogenetic location: 21q22.13.
Variant type: single nucleotide variant.
Coding change: c.14C>A on transcript NM_153682.3 (MANE Select); coding-DNA position 14, C replaced by A.
Protein change: p.Ser5Ter; replaces serine 5 with a stop codon.
Molecular consequence: nonsense. On other transcripts: 5 prime UTR variant (1).
Genome position (GRCh38, 1-based): chr21:37,072,502, G>T on the plus strand (C>A on the coding strand, the complement: PIGP is on the minus strand). VCF-style: chr21-37072502-G-T. GRCh37 (hg19) VCF-style: chr21-38444802-G-T.
Other names: c.14C>A, p.Ser5Ter (NM_001320480.2); c.-231C>A (NM_016430.4); c.86C>A, p.Ser29Ter (NM_153681.2); short protein forms S29*, S5*.
Identifiers: ClinVar variation 3647799 (VCV003647799.2).